The following is an entry in ClinVar:

NM_000440.3(PDE6A):c.1345A>G (p.Ile449Val)

Gene: PDE6A (phosphodiesterase 6A; minus strand). Cytogenetic location: 5q32.
Variant type: single nucleotide variant.
Coding change: c.1345A>G on transcript NM_000440.3 (MANE Select); coding-DNA position 1345, A replaced by G.
Protein change: p.Ile449Val; replaces isoleucine 449 with valine.
Molecular consequence: missense variant.
Genome position (GRCh38, 1-based): chr5:149,898,425, T>C on the plus strand (A>G on the coding strand, the complement: PDE6A is on the minus strand). VCF-style: chr5-149898425-T-C. GRCh37 (hg19) VCF-style: chr5-149277988-T-C.
Other names: c.1102A>G, p.Ile368Val (NM_001410788.1); short protein forms I449V, I368V.
Identifiers: ClinVar variation 2120737 (VCV002120737.4), dbSNP rs2480574257, ClinGen allele CA361696178.
Genomic context (GRCh38, chr5:149,898,425, plus strand): 5'-AGATTTTCTGAATTTCTTCATTGTCACACTTCACATGATATTTTACTATGTCCTGGAAAA[T>C]ATCCTTCCTATTTTCAAGTTTATTCATTGACTCATAGGTGTCAGGATTTAAGACAGACCA-3'
Protein context (NP_000431.2, residues 439-459): SMNKLENRKD[Ile449Val]FQDIVKYHVK

ClinVar aggregate classification (germline): Uncertain significance (1 of 4 stars; one submission).

Allele frequency attached by ClinVar (database versions not stated): gnomAD exomes 0.00002.
gnomAD v4.1: 25 of 1,613,450 alleles (0.0015%); highest among the groups gnomAD compares: Non-Finnish European, 0.0021%; no homozygotes.

Submission:

Labcorp Genetics (formerly Invitae), Labcorp
Classification: Uncertain significance. Last evaluated: 2022-07-18. Review status: criteria provided, single submitter. Criteria: Invitae Variant Classification Sherloc (09022015). Collection method: clinical testing. Allele origin: germline.
Comment: In summary, the available evidence is currently insufficient to determine the role of this variant in disease. Therefore, it has been classified as a Variant of Uncertain Significance. Algorithms developed to predict the effect of missense changes on protein structure and function output the following: SIFT: "Deleterious"; PolyPhen-2: "Benign"; Align-GVGD: "Class C0". The valine amino acid residue is found in multiple mammalian species, which suggests that this missense change does not adversely affect protein function. This variant has not been reported in the literature in individuals affected with PDE6A-related conditions. This variant is not present in population databases (gnomAD no frequency). This sequence change replaces isoleucine, which is neutral and non-polar, with valine, which is neutral and non-polar, at codon 449 of the PDE6A protein (p.Ile449Val).